The following is an entry in ClinVar:

NM_005309.3(GPT):c.773_779dup (p.Phe261fs)

Gene: GPT (glutamic--pyruvic transaminase; plus strand). Cytogenetic location: 8q24.3.
Variant type: Duplication.
Coding change: c.773_779dup on transcript NM_005309.3 (MANE Select); coding-DNA positions 773 to 779, 7 bases duplicated (TGATCCG; older notation c.773_779dupTGATCCG).
Protein change: p.Phe261fs; shifts the reading frame from phenylalanine 261.
Molecular consequence: frameshift variant.
Genome position (GRCh38, 1-based): chr8:144,505,881-144,505,887, TGATCCG duplicated; duplicating any 7 consecutive bases within chr8:144,505,878-144,505,887 gives the same sequence; the c. name uses the placement nearest the transcript's 3' end. VCF-style (leftmost placement, unchanged base first): chr8-144505877-G-GCCGTGAT. GRCh37 (hg19) VCF-style: chr8-145731260-G-GCCGTGAT.
Other names: c.773_779dup, p.Phe261fs (NM_001382664.1, NM_001382665.1); short protein forms F261fs.
Identifiers: ClinVar variation 3772127 (VCV003772127.13).

ClinVar aggregate classification (germline): Uncertain significance (1 of 4 stars; one submission).

Submission:

CeGaT Center for Human Genetics Tuebingen
Classification: Uncertain significance. Last evaluated: 2024-12-01. Review status: criteria provided, single submitter. Criteria: CeGaT Center For Human Genetics Tuebingen Variant Classification Criteria Version 2. Collection method: clinical testing. Allele origin: germline. Affected: yes. Observed: 1 variant allele.
Comment: GPT: PM2